The following is an entry in ClinVar:

NM_000222.3(KIT):c.2698T>G (p.Tyr900Asp)

Gene: KIT (KIT proto-oncogene, receptor tyrosine kinase; plus strand). Cytogenetic location: 4q12.
Variant type: single nucleotide variant.
Coding change: c.2698T>G on transcript NM_000222.3 (MANE Select); coding-DNA position 2698, T replaced by G.
Protein change: p.Tyr900Asp; replaces tyrosine 900 with aspartic acid.
Molecular consequence: missense variant.
Genome position (GRCh38, 1-based): chr4:54,737,176, T>G. VCF-style: chr4-54737176-T-G. GRCh37 (hg19) VCF-style: chr4-55603342-T-G.
Other names: c.2686T>G, p.Tyr896Asp (NM_001385292.1, NM_001093772.2); c.2701T>G, p.Tyr901Asp (NM_001385284.1); c.2695T>G, p.Tyr899Asp (NM_001385285.1); c.2683T>G, p.Tyr895Asp (NM_001385286.1); c.2689T>G, p.Tyr897Asp (NM_001385288.1); c.2698T>G, p.Tyr900Asp (NM_001385290.1); short protein forms Y895D, Y897D, Y901D, Y896D, Y900D, Y899D.
Identifiers: ClinVar variation 5023315 (VCV005023315.1).

ClinVar aggregate classification (germline): Uncertain significance (1 of 4 stars; one submission).

Conditions:
Hereditary cancer-predisposing syndrome. Also called: Neoplastic Syndromes, Hereditary; Tumor predisposition; Hereditary neoplastic syndrome; Hereditary Cancer Syndrome. Identifiers: Orphanet 140162, MedGen C0027672, MeSH D009386, MONDO:0015356.

Submission:

Ambry Genetics
Classification: Uncertain significance for Hereditary cancer-predisposing syndrome. Last evaluated: 2026-07-07. Review status: criteria provided, single submitter. Criteria: Ambry Variant Classification Scheme 2023. Collection method: clinical testing. Allele origin: germline.
Comment: The p.Y900D variant (also known as c.2698T>G), located in coding exon 20 of the KIT gene, results from a T to G substitution at nucleotide position 2698. The tyrosine at codon 900 is replaced by aspartic acid, an amino acid with highly dissimilar properties. This amino acid position is conserved. In addition, this alteration is predicted to be deleterious by in silico analysis. Based on the available evidence, the clinical significance of this variant remains unclear.